The following is an entry in ClinVar:

NM_004380.3(CREBBP):c.3797A>T (p.Gln1266Leu)

Gene: CREBBP (CREB binding protein; minus strand). Cytogenetic location: 16p13.3.
Variant type: single nucleotide variant.
Coding change: c.3797A>T on transcript NM_004380.3 (MANE Select); coding-DNA position 3797, A replaced by T.
Protein change: p.Gln1266Leu; replaces glutamine 1266 with leucine.
Molecular consequence: missense variant.
Genome position (GRCh38, 1-based): chr16:3,749,666, T>A on the plus strand (A>T on the coding strand, the complement: CREBBP is on the minus strand). VCF-style: chr16-3749666-T-A. GRCh37 (hg19) VCF-style: chr16-3799667-T-A.
Other names: c.3683A>T, p.Gln1228Leu (NM_001079846.1); short protein forms Q1228L, Q1266L.
Identifiers: ClinVar variation 3893507 (VCV003893507.1).

ClinVar aggregate classification (germline): Uncertain significance (1 of 4 stars; one submission).

Submission:

GeneDx
Classification: Uncertain significance. Last evaluated: 2024-10-22. Review status: criteria provided, single submitter. Criteria: GeneDx Variant Classification Process June 2021. Collection method: clinical testing. Allele origin: germline. Affected: yes.
Comment: Not observed at significant frequency in large population cohorts (gnomAD); In silico analysis supports that this missense variant has a deleterious effect on protein structure/function; Has not been previously published as pathogenic or benign to our knowledge